The following is an entry in ClinVar:

ClinVar aggregate classification (germline): Likely benign (1 of 4 stars; one submission).

Submission:

CeGaT Center for Human Genetics Tuebingen
Classification: Likely benign. Last evaluated: 2026-10-01. Review status: criteria provided, single submitter. Criteria: CeGaT Center For Human Genetics Tuebingen Variant Classification Criteria Version 2. Collection method: clinical testing. Allele origin: germline. Affected: yes. Observed: 1 variant allele.
Comment: PRX: PM2:Supporting, BP4, BP7

NM_181882.3(PRX):c.2121A>G (p.Pro707=)

Gene: PRX (periaxin; minus strand). Cytogenetic location: 19q13.2.
Variant type: single nucleotide variant.
Coding change: c.2121A>G on transcript NM_181882.3 (MANE Select); coding-DNA position 2121, A replaced by G.
Protein change: p.Pro707=; no amino-acid change (proline 707 retained).
Molecular consequence: synonymous variant. On other transcripts: 3 prime UTR variant (1).
Genome position (GRCh38, 1-based): chr19:40,396,231, T>C on the plus strand (A>G on the coding strand, the complement: PRX is on the minus strand). VCF-style: chr19-40396231-T-C. GRCh37 (hg19) VCF-style: chr19-40902138-T-C.
Other names: c.2406A>G, p.Pro802= (NM_001411127.1); c.*2326A>G (NM_020956.2).
Identifiers: ClinVar variation 5040921 (VCV005040921.1).